The following is an entry in ClinVar:

ClinVar aggregate classification (germline): Pathogenic (1 of 4 stars; one submission).

Submission:

Labcorp Genetics (formerly Invitae), Labcorp
Classification: Pathogenic. Last evaluated: 2023-11-06. Review status: criteria provided, single submitter. Criteria: Invitae Variant Classification Sherloc (09022015). Collection method: clinical testing. Allele origin: germline.
Comment: This sequence change creates a premature translational stop signal (p.His193Thrfs*15) in the ATP6V1B1 gene. It is expected to result in an absent or disrupted protein product. Loss-of-function variants in ATP6V1B1 are known to be pathogenic (PMID: 9916796, 18368028). This variant is not present in population databases (gnomAD no frequency). This variant has not been reported in the literature in individuals affected with ATP6V1B1-related conditions. For these reasons, this variant has been classified as Pathogenic.

Literature cited by the submitters: PubMed 9916796; PubMed 18368028.

NM_001692.4(ATP6V1B1):c.577del (p.His193fs)

Gene: ATP6V1B1 (ATPase H+ transporting V1 subunit B1; plus strand). Cytogenetic location: 2p13.3.
Variant type: Deletion.
Coding change: c.577del on transcript NM_001692.4 (MANE Select); coding-DNA position 577, one base deleted (C; older notation c.577delC).
Protein change: p.His193fs; shifts the reading frame from histidine 193.
Molecular consequence: frameshift variant.
Genome position (GRCh38, 1-based): chr2:70,960,070, C deleted; the last of 5 consecutive C bases (chr2:70,960,066-70,960,070); deleting any one gives the same sequence. VCF-style (leftmost placement, unchanged base first): chr2-70960065-TC-T. GRCh37 (hg19) VCF-style: chr2-71187195-TC-T.
Other names: short protein forms H193fs.
Identifiers: ClinVar variation 2758524 (VCV002758524.3), dbSNP rs2466291172, ClinGen allele CA2659505246.